The following is an entry in ClinVar:

NM_000530.8(MPZ):c.217G>T (p.Gly73Cys)

Gene: MPZ (myelin protein zero; minus strand). Cytogenetic location: 1q23.3.
Variant type: single nucleotide variant.
Coding change: c.217G>T on transcript NM_000530.8 (MANE Select); coding-DNA position 217, G replaced by T.
Protein change: p.Gly73Cys; replaces glycine 73 with cysteine.
Molecular consequence: missense variant.
Genome position (GRCh38, 1-based): chr1:161,307,275, C>A on the plus strand (G>T on the coding strand, the complement: MPZ is on the minus strand). VCF-style: chr1-161307275-C-A. GRCh37 (hg19) VCF-style: chr1-161277065-C-A.
Other names: c.217G>T, p.Gly73Cys (NM_001315491.2); short protein forms G73C.
Identifiers: ClinVar variation 1016236 (VCV001016236.8), dbSNP rs1670283272, ClinGen allele CA343350349.

ClinVar aggregate classification (germline): Uncertain significance (1 of 4 stars; one submission).

Conditions:
Charcot-Marie-Tooth disease, type I (CMT1). Also called: Charcot-Marie-Tooth, Type 1; Charcot-Marie-Tooth disease type 1. Identifiers: Orphanet 65753, MedGen C0751036, MONDO:0019011.

Submission:

Labcorp Genetics (formerly Invitae), Labcorp
Classification: Uncertain significance for Charcot-Marie-Tooth disease, type I. Last evaluated: 2020-02-27. Review status: criteria provided, single submitter. Criteria: Invitae Variant Classification Sherloc (09022015). Collection method: clinical testing. Allele origin: germline.
Comment: This sequence change replaces glycine with cysteine at codon 73 of the MPZ protein (p.Gly73Cys). The glycine residue is moderately conserved and there is a large physicochemical difference between glycine and cysteine. This variant is not present in population databases (ExAC no frequency). This variant has not been reported in the literature in individuals with MPZ-related conditions. Algorithms developed to predict the effect of missense changes on protein structure and function are either unavailable or do not agree on the potential impact of this missense change (SIFT: "Deleterious"; PolyPhen-2: "Possibly Damaging"; Align-GVGD: "Class C15"). In summary, the available evidence is currently insufficient to determine the role of this variant in disease. Therefore, it has been classified as a Variant of Uncertain Significance.